The following is an entry in ClinVar:

ClinVar aggregate classification (germline): Uncertain significance (1 of 4 stars; one submission).

Allele frequency attached by ClinVar (database versions not stated): gnomAD exomes below 0.00001.
gnomAD v4.1: 3 of 1,613,964 alleles (0.00019%); highest among the groups gnomAD compares: Non-Finnish European, 0.00025%; no homozygotes.

Submission:

Women's Health and Genetics/Laboratory Corporation of America, LabCorp
Classification: Uncertain significance. Last evaluated: 2022-11-29. Review status: criteria provided, single submitter. Criteria: LabCorp Variant Classification Summary - May 2015. Collection method: clinical testing. Allele origin: germline.
Comment: Variant summary: ASXL3 c.2044C>T (p.Pro682Ser) results in a non-conservative amino acid change in the encoded protein sequence. Four of five in-silico tools predict a damaging effect of the variant on protein function. The variant allele was found at a frequency of 8e-06 in 249036 control chromosomes. The available data on variant occurrences in the general population are insufficient to allow any conclusion about variant significance. To our knowledge, no occurrence of c.2044C>T in individuals affected with Bainbridge-Ropers Syndrome and no experimental evidence demonstrating its impact on protein function have been reported. No clinical diagnostic laboratories have submitted clinical-significance assessments for this variant to ClinVar after 2014. Based on the evidence outlined above, the variant was classified as uncertain significance.

NM_030632.3(ASXL3):c.2044C>T (p.Pro682Ser)

Gene: ASXL3 (ASXL transcriptional regulator 3; plus strand). Cytogenetic location: 18q12.1.
Variant type: single nucleotide variant.
Coding change: c.2044C>T on transcript NM_030632.3 (MANE Select); coding-DNA position 2044, C replaced by T.
Protein change: p.Pro682Ser; replaces proline 682 with serine.
Molecular consequence: missense variant.
Genome position (GRCh38, 1-based): chr18:33,739,448, C>T. VCF-style: chr18-33739448-C-T. GRCh37 (hg19) VCF-style: chr18-31319412-C-T.
Other names: short protein forms P682S.
Identifiers: ClinVar variation 1804838 (VCV001804838.1), dbSNP rs1161873364, ClinGen allele CA402177233.